The following is an entry in ClinVar:

NM_003002.4(SDHD):c.170C>G (p.Ser57Cys)

Gene: SDHD (succinate dehydrogenase complex subunit D; plus strand). Cytogenetic location: 11q23.1.
Variant type: single nucleotide variant.
Coding change: c.170C>G on transcript NM_003002.4 (MANE Select); coding-DNA position 170, C replaced by G.
Protein change: p.Ser57Cys; replaces serine 57 with cysteine.
Molecular consequence: missense variant. On other transcripts: non-coding transcript variant (1), intron variant (1).
Genome position (GRCh38, 1-based): chr11:112,088,867, C>G. VCF-style: chr11-112088867-C-G. GRCh37 (hg19) VCF-style: chr11-111959591-C-G.
Other names: c.53C>G, p.Ala18Gly (NM_001276504.2); c.170C>G, p.Ser57Cys (NM_001276506.2); c.169+894C>G (NM_001276503.2); short protein forms A18G, S57C.
Identifiers: ClinVar variation 1717070 (VCV001717070.9), dbSNP rs2135269128, ClinGen allele CA382617151.

ClinVar aggregate classification (germline): Uncertain significance. Review status: criteria provided, multiple submitters, no conflicts (2 of 4 stars). 2 submissions from 2 submitters: Uncertain significance (2). Last evaluated 2024-07-09.

Conditions:
Paragangliomas with sensorineural hearing loss. Identifiers: MedGen C1868633.
Carney-Stratakis syndrome. Also called: PARAGANGLIOMA AND GASTROINTESTINAL STROMAL TUMOR. Identifiers: Orphanet 97286, MedGen C1847319, MONDO:0011740, OMIM 606864.
Pheochromocytoma. Also called: MAX-Related Hereditary Paraganglioma-Pheochromocytoma Syndrome. Identifiers: Orphanet 29072, MedGen C0031511, MONDO:0008233, OMIM 171300, HP:0002666.
Cowden syndrome 3 (CWS3). Identifiers: Orphanet 201, MedGen CN166604, MONDO:0014045.
Hereditary cancer-predisposing syndrome. Also called: Hereditary neoplastic syndrome; Neoplastic Syndromes, Hereditary; Hereditary Cancer Syndrome; Tumor predisposition. Identifiers: Orphanet 140162, MedGen C0027672, MeSH D009386, MONDO:0015356.

Submissions (2):

Ambry Genetics
Classification: Uncertain significance for Hereditary cancer-predisposing syndrome. Last evaluated: 2024-07-09. Review status: criteria provided, single submitter. Criteria: Ambry Variant Classification Scheme 2023. Collection method: clinical testing. Allele origin: germline.
Comment: The p.S57C variant (also known as c.170C>G), located in coding exon 3 of the SDHD gene, results from a C to G substitution at nucleotide position 170. This variant impacts the first base pair of coding exon 3. The serine at codon 57 is replaced by cysteine, an amino acid with dissimilar properties. This amino acid position is well conserved in available vertebrate species. In addition, this alteration is predicted to be deleterious by in silico analysis. Since supporting evidence is limited at this time, the clinical significance of this alteration remains unclear.

Labcorp Genetics (formerly Invitae), Labcorp
Classification: Uncertain significance for Carney-Stratakis syndrome; Paragangliomas with sensorineural hearing loss; Pheochromocytoma; Cowden syndrome 3. Last evaluated: 2022-10-25. Review status: criteria provided, single submitter. Criteria: Invitae Variant Classification Sherloc (09022015). Collection method: clinical testing. Allele origin: germline.
Comment: In summary, the available evidence is currently insufficient to determine the role of this variant in disease. Therefore, it has been classified as a Variant of Uncertain Significance. Algorithms developed to predict the effect of sequence changes on RNA splicing suggest that this variant may create or strengthen a splice site. Algorithms developed to predict the effect of missense changes on protein structure and function are either unavailable or do not agree on the potential impact of this missense change (SIFT: "Deleterious"; PolyPhen-2: "Possibly Damaging"; Align-GVGD: "Class C15"). This variant has not been reported in the literature in individuals affected with SDHD-related conditions. This variant is not present in population databases (gnomAD no frequency). This sequence change replaces serine, which is neutral and polar, with cysteine, which is neutral and slightly polar, at codon 57 of the SDHD protein (p.Ser57Cys).